The following is an entry in ClinVar:

NM_001144967.3(NEDD4L):c.127C>T (p.Pro43Ser)

Gene: NEDD4L (NEDD4 like E3 ubiquitin protein ligase; plus strand). Cytogenetic location: 18q21.31.
Variant type: single nucleotide variant.
Coding change: c.127C>T on transcript NM_001144967.3 (MANE Select); coding-DNA position 127, C replaced by T.
Protein change: p.Pro43Ser; replaces proline 43 with serine.
Molecular consequence: missense variant. On other transcripts: 5 prime UTR variant (5).
Genome position (GRCh38, 1-based): chr18:58,245,431, C>T. VCF-style: chr18-58245431-C-T. GRCh37 (hg19) VCF-style: chr18-55912663-C-T.
Other names: c.-237C>T (NM_001144964.1, NM_001144965.2, NM_001144966.3 and 2 more transcripts); c.103C>T, p.Pro35Ser (NM_001144968.2, NM_001144969.2); c.127C>T, p.Pro43Ser (NM_001243960.2, NM_015277.6); short protein forms P35S, P43S.
Identifiers: ClinVar variation 2110262 (VCV002110262.4), dbSNP rs2513448254, ClinGen allele CA402715569.

ClinVar aggregate classification (germline): Uncertain significance (1 of 4 stars; one submission).

Submission:

Labcorp Genetics (formerly Invitae), Labcorp
Classification: Uncertain significance. Last evaluated: 2022-03-12. Review status: criteria provided, single submitter. Criteria: Invitae Variant Classification Sherloc (09022015). Collection method: clinical testing. Allele origin: germline.
Comment: In summary, the available evidence is currently insufficient to determine the role of this variant in disease. Therefore, it has been classified as a Variant of Uncertain Significance. Algorithms developed to predict the effect of missense changes on protein structure and function are either unavailable or do not agree on the potential impact of this missense change (SIFT: "Deleterious"; PolyPhen-2: "Probably Damaging"; Align-GVGD: "Class C0"). This variant has not been reported in the literature in individuals affected with NEDD4L-related conditions. This variant is not present in population databases (gnomAD no frequency). This sequence change replaces proline, which is neutral and non-polar, with serine, which is neutral and polar, at codon 43 of the NEDD4L protein (p.Pro43Ser).